The following is an entry in ClinVar:

ClinVar aggregate classification (germline): Benign/Likely benign. Review status: criteria provided, multiple submitters, no conflicts (2 of 4 stars). 3 submissions from 3 submitters: Benign (1); Likely benign (1). 1 of the submissions does not count toward it. Last evaluated 2025-11-03.

Conditions:
Kabuki syndrome. Also called: NIIKAWA-KUROKI SYNDROME; Kabuki make-up syndrome. Identifiers: Orphanet 2322, MedGen C0796004, MONDO:0016512.
KMT2D-related disorder. Also called: KMT2D-Related Disorders.

Allele frequency attached by ClinVar (database versions not stated): gnomAD 0.00001; gnomAD exomes 0.00001; TOPMed 0.00002.
gnomAD v4.1: 26 of 1,612,508 alleles (0.0016%); highest among the groups gnomAD compares: Middle Eastern, 0.049%; no homozygotes.

Submissions (3):

Labcorp Genetics (formerly Invitae), Labcorp
Classification: Benign for Kabuki syndrome. Last evaluated: 2025-11-03. Review status: criteria provided, single submitter. Criteria: Invitae Variant Classification Sherloc (09022015). Collection method: clinical testing. Allele origin: germline.

GeneDx
Classification: Likely benign. Last evaluated: 2021-04-28. Review status: criteria provided, single submitter. Criteria: GeneDx Variant Classification Process June 2021. Collection method: clinical testing. Allele origin: germline. Affected: yes.
Comment: This variant is associated with the following publications: (PMID: 30459467)

PreventionGenetics, part of Exact Sciences
Classification: Uncertain significance for KMT2D-related condition. Last evaluated: 2024-06-10. Review status: no assertion criteria provided. Collection method: clinical testing. Allele origin: germline. Not counted in ClinVar's aggregate classification.
Comment: The KMT2D c.1601C>T variant is predicted to result in the amino acid substitution p.Thr534Met. This variant was reported in an individual with Kabuki syndrome (Faundes et al 2019. PubMed ID: 30459467). This variant is reported in 0.0018% of alleles in individuals of European (Non-Finnish) descent in gnomAD. Although we suspect that this variant may be benign, at this time, the clinical significance of this variant is uncertain due to the absence of conclusive functional and genetic evidence.

NM_003482.4(KMT2D):c.1601C>T (p.Thr534Met)

Gene: KMT2D (lysine methyltransferase 2D; minus strand). Cytogenetic location: 12q13.12.
Variant type: single nucleotide variant.
Coding change: c.1601C>T on transcript NM_003482.4 (MANE Select); coding-DNA position 1601, C replaced by T.
Protein change: p.Thr534Met; replaces threonine 534 with methionine.
Molecular consequence: missense variant.
Genome position (GRCh38, 1-based): chr12:49,052,082, G>A on the plus strand (C>T on the coding strand, the complement: KMT2D is on the minus strand). VCF-style: chr12-49052082-G-A. GRCh37 (hg19) VCF-style: chr12-49445865-G-A.
Other names: short protein forms T534M.
Identifiers: ClinVar variation 1300636 (VCV001300636.10), dbSNP rs946192879, ClinGen allele CA236621043.
Genomic context (GRCh38, chr12:49,052,082, plus strand): 5'-AAAGGAGATTCTTCAAATGGTGGGGACAGGGGCGATGCTTCAGGTGGTGGGGATAGAGGC[G>A]TCTCAAGTGCAGGAGATGGGGGTGACTCTTCCGGTGGAGACAAGGGCGACTCCTCCAGTG-3'
Protein context (NP_003473.3, residues 524-544): EESPPSPALE[Thr534Met]PLSPPPEASP